The following is an entry in ClinVar:

NM_000435.3(NOTCH3):c.1654G>T (p.Asp552Tyr)

Gene: NOTCH3 (notch receptor 3; minus strand). Cytogenetic location: 19p13.12.
Variant type: single nucleotide variant.
Coding change: c.1654G>T on transcript NM_000435.3 (MANE Select); coding-DNA position 1654, G replaced by T.
Protein change: p.Asp552Tyr; replaces aspartic acid 552 with tyrosine.
Molecular consequence: missense variant.
Genome position (GRCh38, 1-based): chr19:15,187,291, C>A on the plus strand (G>T on the coding strand, the complement: NOTCH3 is on the minus strand). VCF-style: chr19-15187291-C-A. GRCh37 (hg19) VCF-style: chr19-15298102-C-A.
Other names: short protein forms D552Y.
Identifiers: ClinVar variation 4071978 (VCV004071978.6), dbSNP rs1599389393.

ClinVar aggregate classification (germline): Conflicting classifications of pathogenicity. Review status: criteria provided, conflicting classifications (1 of 4 stars). 2 submissions from 2 submitters: Likely pathogenic (1); Uncertain significance (1). Last evaluated 2025-07-15.

Conditions:
Cerebral arteriopathy, autosomal dominant, with subcortical infarcts and leukoencephalopathy, type 1 (CADASIL1). Also called: CADASIL 1; CASIL; Cerebral arteriopathy with subcortical infarcts and leukoencephalopathy 1; DEMENTIA, HEREDITARY MULTIINFARCT TYPE. Identifiers: Orphanet 136, MedGen C4551768, MONDO:0000914, OMIM 125310.

Submissions (2):

ARUP Laboratories, Molecular Genetics and Genomics, ARUP Laboratories
Classification: Uncertain significance. Last evaluated: 2025-07-15. Review status: criteria provided, single submitter. Criteria: ARUP Molecular Germline Variant Investigation Process 2024. Collection method: clinical testing. Allele origin: germline.
Comment: The NOTCH3 c.1654G>T; p.Asp552Tyr variant is reported in the literature in an individual with clinical suspicion of CADASIL (Gorukmez 2023). This variant is absent from the Genome Aggregation Database (v2.1.1), indicating it is not a common polymorphism. Computational analyses suggest that this variant is deleterious (REVEL: 0.765). Most pathogenic NOTCH3 variants occur in exons 2-24 and either create or destroy a cysteine residue within an EGF-like domain (Rutten 2014). However, there are several amino acid substitutions not involving cysteine that may be disease-associated (Muino 2017). Although c.1654G>T; p.Asp552Tyr does not involve a cysteine residue, due to its low population frequency, its clinical significance is uncertain. References: Gorukmez O et al. NOTCH3 Variants in Patients with Suspected CADASIL. Ann Indian Acad Neurol. 2023 Jul-Aug;26(4):484-490. PMID: 37970308. Muino E et al. Systematic Review of Cysteine-Sparing NOTCH3 Missense Mutations in Patients with Clinical Suspicion of CADASIL. Int J Mol Sci. 2017 Sep 13;18(9). pii: E1964. PMID: 28902129. Rutten JW et al. Interpretation of NOTCH3 mutations in the diagnosis of CADASIL. Expert Rev Mol Diagn. 2014 Jun;14(5):593-603. PMID: 24844136.

Institute of Human Genetics Munich, TUM University Hospital
Classification: Likely pathogenic for Cerebral arteriopathy, autosomal dominant, with subcortical infarcts and leukoencephalopathy, type 1. Last evaluated: 2024-10-29. Review status: criteria provided, single submitter. Criteria: Classification criteria August 2017. Collection method: clinical testing. Allele origin: germline. Inheritance: Autosomal dominant inheritance. Affected: yes. Observed: 1 variant allele.